The following is an entry in ClinVar:

NM_000256.3(MYBPC3):c.2551G>A (p.Ala851Thr)

Gene: MYBPC3 (myosin binding protein C3; minus strand). Cytogenetic location: 11p11.2.
Variant type: single nucleotide variant.
Coding change: c.2551G>A on transcript NM_000256.3 (MANE Select); coding-DNA position 2551, G replaced by A.
Protein change: p.Ala851Thr; replaces alanine 851 with threonine.
Molecular consequence: missense variant.
Genome position (GRCh38, 1-based): chr11:47,337,442, C>T on the plus strand (G>A on the coding strand, the complement: MYBPC3 is on the minus strand). VCF-style: chr11-47337442-C-T. GRCh37 (hg19) VCF-style: chr11-47358993-C-T.
Other names: p.A851T:GCC>ACC; c.2551G>A, p.Ala851Thr (LRG_386t1); short protein forms A851T.
Identifiers: ClinVar variation 180977 (VCV000180977.18), dbSNP rs730880571, ClinGen allele CA012612.
Genomic context (GRCh38, chr11:47,337,442, plus strand): 5'-CAGGCTCACCGATAGGCATGAAGGGCTGGGAGGCAGGGCTGGGCCTGGACATGCCGATGG[C>T]GTTGACCGCGTAGACGCGCATCTCGTACACCACGCCCTCGATCATGCGCCGCGCTTCATG-3'
Protein context (NP_000247.2, residues 841-861): VYEMRVYAVN[Ala851Thr]IGMSRPSPAS

ClinVar aggregate classification (germline): Uncertain significance. Review status: criteria provided, multiple submitters, no conflicts (2 of 4 stars). 4 submissions from 4 submitters: Uncertain significance (4). Last evaluated 2024-07-20.

Conditions:
Cardiomyopathy (CMYO). Also called: Cardiomyopathies. Identifiers: Orphanet 167848, MedGen C0878544, MONDO:0004994, HP:0001638. Inheritance: Various modes of inheritance.
Hypertrophic cardiomyopathy. Also called: HYPERTROPHIC MYOCARDIOPATHY. Identifiers: Orphanet 217569, MedGen C0007194, MeSH D002312, MONDO:0005045, HP:0001639.

Allele frequency attached by ClinVar (database versions not stated): gnomAD 0.00001; gnomAD exomes 0.00001; TOPMed 0.00002.
gnomAD v4.1: 10 of 1,611,648 alleles (0.00062%); highest among the groups gnomAD compares: South Asian, 0.0011%; no homozygotes.

Submissions (4):

All of Us Research Program, National Institutes of Health
Classification: Uncertain significance for Hypertrophic cardiomyopathy. Last evaluated: 2024-07-20. Review status: criteria provided, single submitter. Criteria: ACMG Guidelines, 2015. Collection method: clinical testing. Allele origin: germline. Inheritance: Autosomal dominant inheritance. Observed: 5 variant alleles, 5 heterozygotes.
Comment: This missense variant replaces alanine with threonine at codon 851 of the MYBPC3 protein. Computational prediction tool suggests that this variant may not impact protein structure and function (internally defined REVEL score threshold <=0.5, PMID: 27666373). Splice site prediction tools suggest that this variant may not impact RNA splicing. To our knowledge, functional studies have not been performed for this variant. This variant has not been reported in individuals affected with cardiovascular disorders in the literature. This variant has been identified in 2/246352 chromosomes in the general population by the Genome Aggregation Database (gnomAD). The available evidence is insufficient to determine the role of this variant in disease conclusively. Therefore, this variant is classified as a Variant of Uncertain Significance.

This study involves interpretation of variants in research participants for the purpose of population health screening. Participant phenotype was not available at the time of variant classification. Additional details can be found in publication PMID: 35346344, PMCID: PMC8962531

Color Diagnostics, LLC DBA Color Health
Classification: Uncertain significance for Cardiomyopathy. Last evaluated: 2024-07-11. Review status: criteria provided, single submitter. Criteria: ACMG Guidelines, 2015. Collection method: clinical testing. Allele origin: germline.
Comment: This missense variant replaces alanine with threonine at codon 851 of the MYBPC3 protein. Computational prediction tools indicate that this variant has a neutral impact on protein structure and function. To our knowledge, functional studies have not been reported for this variant. This variant has been reported in an individual affected with hypertrophic cardiomyopathy (PMID: 31941943). This variant has been identified in 2/246352 chromosomes in the general population by the Genome Aggregation Database (gnomAD). The available evidence is insufficient to determine the role of this variant in disease conclusively. Therefore, this variant is classified as a Variant of Uncertain Significance.

GeneDx
Classification: Uncertain significance. Last evaluated: 2022-10-26. Review status: criteria provided, single submitter. Criteria: GeneDx Variant Classification Process June 2021. Collection method: clinical testing. Allele origin: germline. Affected: yes.
Comment: Not observed at significant frequency in large population cohorts (gnomAD); In silico analysis supports that this missense variant does not alter protein structure/function; Has not been previously published as pathogenic or benign to our knowledge

Labcorp Genetics (formerly Invitae), Labcorp
Classification: Uncertain significance for Hypertrophic cardiomyopathy. Last evaluated: 2020-03-25. Review status: criteria provided, single submitter. Criteria: Invitae Variant Classification Sherloc (09022015). Collection method: clinical testing. Allele origin: germline.
Comment: This sequence change replaces alanine with threonine at codon 851 of the MYBPC3 protein (p.Ala851Thr). The alanine residue is highly conserved and there is a small physicochemical difference between alanine and threonine. This variant is not present in population databases (ExAC no frequency). This variant has not been reported in the literature in individuals with MYBPC3-related conditions. ClinVar contains an entry for this variant (Variation ID: 180977). Algorithms developed to predict the effect of missense changes on protein structure and function output the following: SIFT: "Deleterious"; PolyPhen-2: "Benign"; Align-GVGD: "Class C0". The threonine amino acid residue is found in multiple mammalian species, suggesting that this missense change does not adversely affect protein function. These predictions have not been confirmed by published functional studies and their clinical significance is uncertain. In summary, the available evidence is currently insufficient to determine the role of this variant in disease. Therefore, it has been classified as a Variant of Uncertain Significance.

Literature cited by the submitters: PubMed 31941943 (cited by Color Diagnostics, LLC DBA Color Health).